The following is an entry in ClinVar:

NM_000368.5(TSC1):c.1897G>C (p.Gly633Arg)

Gene: TSC1 (TSC complex subunit 1; minus strand). Cytogenetic location: 9q34.13.
Variant type: single nucleotide variant.
Coding change: c.1897G>C on transcript NM_000368.5 (MANE Select); coding-DNA position 1897, G replaced by C.
Protein change: p.Gly633Arg; replaces glycine 633 with arginine.
Molecular consequence: missense variant. On other transcripts: non-coding transcript variant (5).
Genome position (GRCh38, 1-based): chr9:132,905,681, C>G on the plus strand (G>C on the coding strand, the complement: TSC1 is on the minus strand). VCF-style: chr9-132905681-C-G. GRCh37 (hg19) VCF-style: chr9-135781068-C-G.
Other names: c.1894G>C, p.Gly632Arg (NM_001162426.2, NM_001406597.1, NM_001406598.1 and 6 more transcripts); c.1744G>C, p.Gly582Arg (NM_001162427.2, NM_001406610.1); c.1534G>C, p.Gly512Arg (NM_001362177.2, NM_001406615.1, NM_001406616.1 and 5 more transcripts); c.1897G>C, p.Gly633Arg (NM_001406592.1, NM_001406593.1, NM_001406594.1 and 7 more transcripts); c.1531G>C, p.Gly511Arg (NM_001406620.1, NM_001406621.1, NM_001406622.1 and 2 more transcripts); c.1741G>C, p.Gly581Arg (NM_001406611.1, NM_001406612.1, NM_001406613.1); c.946G>C, p.Gly316Arg (NM_001406626.1); c.943G>C, p.Gly315Arg (NM_001406627.1, NM_001406628.1); and 1 more; short protein forms G282R, G316R, G632R, G633R, G315R, G582R, G511R, G512R.
Identifiers: ClinVar variation 2695025 (VCV002695025.3), dbSNP rs1471587230, ClinGen allele CA375362831.

ClinVar aggregate classification (germline): Uncertain significance (1 of 4 stars; one submission).

Conditions:
Tuberous sclerosis 1 (TSC1). Identifiers: Orphanet 805, MedGen C1854465, MONDO:0008612, OMIM 191100.

Submission:

Labcorp Genetics (formerly Invitae), Labcorp
Classification: Uncertain significance for Tuberous sclerosis 1. Last evaluated: 2023-11-11. Review status: criteria provided, single submitter. Criteria: Invitae Variant Classification Sherloc (09022015). Collection method: clinical testing. Allele origin: germline.
Comment: This sequence change replaces glycine, which is neutral and non-polar, with arginine, which is basic and polar, at codon 633 of the TSC1 protein (p.Gly633Arg). This variant is not present in population databases (gnomAD no frequency). This variant has not been reported in the literature in individuals affected with TSC1-related conditions. Advanced modeling of protein sequence and biophysical properties (such as structural, functional, and spatial information, amino acid conservation, physicochemical variation, residue mobility, and thermodynamic stability) performed at Invitae indicates that this missense variant is not expected to disrupt TSC1 protein function with a negative predictive value of 95%. In summary, the available evidence is currently insufficient to determine the role of this variant in disease. Therefore, it has been classified as a Variant of Uncertain Significance.